The following is an entry in ClinVar:

NM_018136.5(ASPM):c.6022A>G (p.Ser2008Gly)

Gene: ASPM (assembly factor for spindle microtubules; minus strand). Cytogenetic location: 1q31.3.
Variant type: single nucleotide variant.
Coding change: c.6022A>G on transcript NM_018136.5 (MANE Select); coding-DNA position 6022, A replaced by G.
Protein change: p.Ser2008Gly; replaces serine 2008 with glycine.
Molecular consequence: missense variant. On other transcripts: intron variant (1).
Genome position (GRCh38, 1-based): chr1:197,103,229, T>C on the plus strand (A>G on the coding strand, the complement: ASPM is on the minus strand). VCF-style: chr1-197103229-T-C. GRCh37 (hg19) VCF-style: chr1-197072359-T-C.
Other names: c.4066-7065A>G (NM_001206846.2); short protein forms S2008G.
Identifiers: ClinVar variation 1502404 (VCV001502404.4), dbSNP rs751315317, ClinGen allele CA35871508.

ClinVar aggregate classification (germline): Uncertain significance (1 of 4 stars; one submission).

Allele frequency attached by ClinVar (database versions not stated): TOPMed below 0.00001; gnomAD 0.00001; gnomAD exomes 0.00001 and 0.00002.
gnomAD v4.1: 21 of 1,612,776 alleles (0.0013%); highest among the groups gnomAD compares: Middle Eastern, 0.016%; no homozygotes.

Submission:

Labcorp Genetics (formerly Invitae), Labcorp
Classification: Uncertain significance. Last evaluated: 2022-07-19. Review status: criteria provided, single submitter. Criteria: Invitae Variant Classification Sherloc (09022015). Collection method: clinical testing. Allele origin: germline.
Comment: Algorithms developed to predict the effect of missense changes on protein structure and function (SIFT, PolyPhen-2, Align-GVGD) all suggest that this variant is likely to be tolerated. ClinVar contains an entry for this variant (Variation ID: 1502404). This variant has not been reported in the literature in individuals affected with ASPM-related conditions. This variant is present in population databases (rs751315317, gnomAD 0.003%). This sequence change replaces serine, which is neutral and polar, with glycine, which is neutral and non-polar, at codon 2008 of the ASPM protein (p.Ser2008Gly). In summary, the available evidence is currently insufficient to determine the role of this variant in disease. Therefore, it has been classified as a Variant of Uncertain Significance.